The following is an entry in ClinVar:

ClinVar aggregate classification (germline): Pathogenic. Review status: reviewed by expert panel (3 of 4 stars). 2 submissions from 2 submitters: Pathogenic (1). 1 of the submissions does not count toward it. Last evaluated 2016-10-18.

Conditions:
Breast-ovarian cancer, familial, susceptibility to, 2 (BROVCA2). Also called: BRCA2 Hereditary Breast and Ovarian Cancer. Identifiers: Orphanet 145, MedGen C2675520, MONDO:0012933, OMIM 612555. Disease mechanism: loss of function.

Submissions (2):

Evidence-based Network for the Interpretation of Germline Mutant Alleles (ENIGMA)
Classification: Pathogenic for Breast-ovarian cancer, familial, susceptibility to, 2. Last evaluated: 2016-10-18. Review status: reviewed by expert panel. Criteria: ENIGMA BRCA1/2 Classification Criteria (2015). Collection method: curation. Allele origin: germline.
Comment: Variant allele predicted to encode a truncated non-functional protein.

Consortium of Investigators of Modifiers of BRCA1/2 (CIMBA), c/o University of Cambridge
Classification: Pathogenic for Breast-ovarian cancer, familial, susceptibility to, 2. Last evaluated: 2015-10-02. Review status: criteria provided, single submitter. Criteria: CIMBA Mutation Classification guidelines May 2016. Collection method: clinical testing. Allele origin: germline. Not counted in ClinVar's aggregate classification.

NM_000059.4(BRCA2):c.736_755del (p.Phe246fs)

Gene: BRCA2 (BRCA2 DNA repair associated; plus strand). Cytogenetic location: 13q13.1.
Variant type: Deletion.
Coding change: c.736_755del on transcript NM_000059.4 (MANE Select); coding-DNA positions 736 to 755, 20 bases deleted (TTTATCGCTTCTGTGACAGA).
Protein change: p.Phe246fs; shifts the reading frame from phenylalanine 246.
Molecular consequence: frameshift variant.
Genome position (GRCh38, 1-based): chr13:32,330,973-32,330,992, TTTATCGCTTCTGTGACAGA deleted; deleting any 20 consecutive bases within chr13:32,330,970-32,330,992 gives the same sequence; the c. name uses the placement nearest the transcript's 3' end. VCF-style (leftmost placement, unchanged base first): chr13-32330969-TAGATTTATCGCTTCTGTGAC-T. GRCh37 (hg19) VCF-style: chr13-32905106-TAGATTTATCGCTTCTGTGAC-T.
Other names: 964del20; short protein forms F246fs.
Identifiers: ClinVar variation 267003 (VCV000267003.7), dbSNP rs886040701, ClinGen allele CA10589047.
Genomic context (GRCh38, chr13:32,330,969, plus strand): 5'-ATTTTTGCAGAATGTGAAAAGCTATTTTTCCAATCATGATGAAAGTCTGAAGAAAAATGA[TAGATTTATCGCTTCTGTGAC>T]AGACAGTGAAAACACAAATCAAAGAGAAGCTGCAAGTCATGGTAAGTCCTCTGTTTAGTT-3'